The following is an entry in ClinVar:

NM_019885.4(CYP26B1):c.64G>C (p.Val22Leu)

Gene: CYP26B1 (cytochrome P450 family 26 subfamily B member 1; minus strand). Cytogenetic location: 2p13.2.
Variant type: single nucleotide variant.
Coding change: c.64G>C on transcript NM_019885.4 (MANE Select); coding-DNA position 64, G replaced by C.
Protein change: p.Val22Leu; replaces valine 22 with leucine.
Molecular consequence: missense variant.
Genome position (GRCh38, 1-based): chr2:72,147,771, C>G on the plus strand (G>C on the coding strand, the complement: CYP26B1 is on the minus strand). VCF-style: chr2-72147771-C-G. GRCh37 (hg19) VCF-style: chr2-72374900-C-G.
Other names: c.64G>C (NM_019885.2); c.64G>C, p.Val22Leu (NM_001277742.2); short protein forms V22L.
Identifiers: ClinVar variation 719628 (VCV000719628.14), dbSNP rs142156843, ClinGen allele CA1708186.
Genomic context (GRCh38, chr2:72,147,771, plus strand): 5'-CGCGAGTGGCGGCCCAGCGCAGCTGCCACAGCTGCTGCGACACGGCCAGCAGCAGCGTCA[C>G]GGACACCAGGCACGCGGCGAGGGTGGCCAGCGCCGACACCAGATCCAAGCCCTCAAAGAG-3'
Protein context (NP_063938.1, residues 12-32): LATLAACLVS[Val22Leu]TLLLAVSQQL

ClinVar aggregate classification (germline): Conflicting classifications of pathogenicity. Review status: criteria provided, conflicting classifications (1 of 4 stars). 4 submissions from 4 submitters: Uncertain significance (1); Benign (1); Likely benign (1). 1 of the submissions does not count toward it. Last evaluated 2025-08-04.

Conditions:
CYP26B1-related disorder. Also called: CYP26B1-related condition.
Inborn genetic diseases. Identifiers: MedGen C0950123, MeSH D030342.

Allele frequency attached by ClinVar (database versions not stated): TOPMed 0.00261; 1000 Genomes Project 0.00280; ESP Exome Variant Server 0.00224; 1000 Genomes Project 30x 0.00250; gnomAD 0.00254.
gnomAD v4.1: 621 of 1,578,770 alleles (0.039%); highest among the groups gnomAD compares: African/African-American, 0.75%; 5 homozygotes.

Submissions (4):

Ambry Genetics
Classification: Uncertain significance for Inborn genetic diseases. Last evaluated: 2025-08-04. Review status: criteria provided, single submitter. Criteria: Ambry Variant Classification Scheme 2023. Collection method: clinical testing. Allele origin: germline.

Labcorp Genetics (formerly Invitae), Labcorp
Classification: Benign. Last evaluated: 2025-07-31. Review status: criteria provided, single submitter. Criteria: Invitae Variant Classification Sherloc (09022015). Collection method: clinical testing. Allele origin: germline.

GeneDx
Classification: Likely benign. Last evaluated: 2021-01-05. Review status: criteria provided, single submitter. Criteria: GeneDx Variant Classification Process June 2021. Collection method: clinical testing. Allele origin: germline. Affected: yes.
Comment: In silico analysis supports that this missense variant does not alter protein structure/function; Has not been previously published as pathogenic or benign to our knowledge

PreventionGenetics, part of Exact Sciences
Classification: Benign for CYP26B1-related condition. Last evaluated: 2020-05-04. Review status: no assertion criteria provided. Collection method: clinical testing. Allele origin: germline. Not counted in ClinVar's aggregate classification.
Comment: This variant is classified as benign based on ACMG/AMP sequence variant interpretation guidelines (Richards et al. 2015 PMID: 25741868, with internal and published modifications).